The following is an entry in ClinVar:

NM_001127701.1(SERPINA1):c.1178C>T (p.Pro393Leu)

Gene: SERPINA1 (serpin family A member 1; minus strand). Cytogenetic location: 14q32.13.
Variant type: single nucleotide variant.
Coding change: c.1178C>T on transcript NM_001127701.1; coding-DNA position 1178, C replaced by T.
Protein change: p.Pro393Leu; replaces proline 393 with leucine.
Molecular consequence: missense variant (on NM_000295.5).
Genome position (GRCh38, 1-based): chr14:94,378,528, G>A on the plus strand (C>T on the coding strand, the complement: SERPINA1 is on the minus strand). VCF-style: chr14-94378528-G-A. GRCh37 (hg19) VCF-style: chr14-94844865-G-A.
Other names: P369L; SERPINA1, PRO369LEU ON M1A; Mheerlen; c.1178C>T, p.Pro393Leu (NM_000295.5, NM_001002235.3, NM_001002236.3 and 8 more transcripts); short protein forms P393L.
Identifiers: ClinVar variation 17965 (VCV000017965.35), dbSNP rs199422209, ClinGen allele CA127662.
Genomic context (GRCh38, chr14:94,378,528, plus strand): 5'-ACCACTTTTCCCATGAAGAGGGGAGACTTGGTATTTTGTTCAATCATTAAGAAGACAAAG[G>A]GTTTGTTGAACTTGACCTCGGGGGGGATAGACATGGGTATGGCCTCTAAAAACATGGCCC-3'

ClinVar aggregate classification (germline): Pathogenic. Review status: criteria provided, multiple submitters, no conflicts (2 of 4 stars). 18 submissions from 18 submitters: Pathogenic (10). 8 of the submissions do not count toward it. Last evaluated 2026-07-01.

Conditions:
SERPINA1-related disorder. Also called: SERPINA1-related condition; SerpinA1-related disorders.
Inborn genetic diseases. Identifiers: MedGen C0950123, MeSH D030342.
Alpha-1-antitrypsin deficiency (A1ATD). Also called: Alpha1-Antitrypsin Deficiency; AAT deficiency; A1AT deficiency. Identifiers: Orphanet 60, MedGen C0221757, MONDO:0013282, OMIM 613490.
PI M(HEERLEN).

Allele frequency attached by ClinVar (database versions not stated): TOPMed 0.00010; gnomAD 0.00011.

Submissions (18):

CeGaT Center for Human Genetics Tuebingen
Classification: Pathogenic. Last evaluated: 2026-07-01. Review status: criteria provided, single submitter. Criteria: CeGaT Center For Human Genetics Tuebingen Variant Classification Criteria Version 2. Collection method: clinical testing. Allele origin: germline. Affected: yes. Observed: 1 variant allele.
Comment: SERPINA1: PM3:Very Strong, PM1, PM2, PM5, PP4, PS3:Supporting

Labcorp Genetics (formerly Invitae), Labcorp
Classification: Pathogenic for Alpha-1-antitrypsin deficiency. Last evaluated: 2026-01-20. Review status: criteria provided, single submitter. Criteria: Invitae Variant Classification Sherloc (09022015). Collection method: clinical testing. Allele origin: germline.
Comment: This sequence change replaces proline, which is neutral and non-polar, with leucine, which is neutral and non-polar, at codon 393 of the SERPINA1 protein (p.Pro393Leu). This variant is present in population databases (rs199422209, gnomAD 0.01%). This missense change has been observed in individuals with autosomal recessive alpha-1-antitrypsin deficiency (AATD) (PMID: 2784123, 10234508, 18024524). This variant is also known as MHerleen and as Pro369Leu. ClinVar contains an entry for this variant (Variation ID: 17965). Invitae Evidence Modeling of protein sequence and biophysical properties (such as structural, functional, and spatial information, amino acid conservation, physicochemical variation, residue mobility, and thermodynamic stability) indicates that this missense variant is expected to disrupt SERPINA1 protein function with a positive predictive value of 80%. Experimental studies have shown that this missense change affects SERPINA1 function (PMID: 10234508). This variant disrupts the p.Pro393 amino acid residue in SERPINA1. Other variant(s) that disrupt this residue have been determined to be pathogenic (PMID: 10234508, 18024524, 27296815). This suggests that this residue is clinically significant, and that variants that disrupt this residue are likely to be disease-causing. For these reasons, this variant has been classified as Pathogenic.

Center for Genomic Medicine, Rigshospitalet, Copenhagen University Hospital
Classification: Pathogenic. Last evaluated: 2025-03-04. Review status: criteria provided, single submitter. Criteria: ACMG Guidelines, 2015. Collection method: clinical testing. Allele origin: germline.

Blueprint Genetics
Classification: Pathogenic for SERPINA1-related disorders. Last evaluated: 2024-10-31. Review status: criteria provided, single submitter. Criteria: ACMG Guidelines, 2015. Collection method: clinical testing. Allele origin: germline. Affected: yes. Observed: 5 variant alleles.

Department of Pathology and Laboratory Medicine, Sinai Health System
Classification: Pathogenic for Alpha-1-antitrypsin deficiency. Last evaluated: 2023-05-05. Review status: criteria provided, single submitter. Criteria: ACMG Guidelines, 2015. Collection method: research. Allele origin: germline.

Fulgent Genetics
Classification: Pathogenic for Alpha-1-antitrypsin deficiency. Last evaluated: 2022-03-08. Review status: criteria provided, single submitter. Criteria: ACMG Guidelines, 2015. Collection method: clinical testing. Allele origin: unknown.

Knight Diagnostic Laboratories, Oregon Health and Sciences University
Classification: Pathogenic for Antitrypsin alpha 1 deficiency. Last evaluated: 2019-07-03. Review status: criteria provided, single submitter. Criteria: ACMG Guidelines, 2015. Collection method: clinical testing. Allele origin: germline. Observed: 1 variant allele.

Ambry Genetics
Classification: Pathogenic for Inborn genetic diseases. Last evaluated: 2017-06-14. Review status: criteria provided, single submitter. Criteria: Ambry Variant Classification Scheme 2023. Collection method: clinical testing. Allele origin: germline.
Comment: The p.P393L pathogenic mutation (also known as c.1178C>T), located in coding exon 4 of the SERPINA1 gene, results from a C to T substitution at nucleotide position 1178. The proline at codon 393 is replaced by leucine, an amino acid with similar properties. This mutation comprises the deficiency allele PI*Mheerlen. The resulting mutant protein is not secreted but is retained in the endoplasmic reticulum (Poller W et al. Eur. J. Hum. Genet., 1999 Apr;7:321-31). This mutation was identified in an individual in trans with a null allele with severe chronic obstructive pulmonary disease and extremely low serum alpha-1-antitrypsin levels (Poller W et al. Eur. J. Hum. Genet., 1999 Apr;7:321-31). Based on the supporting evidence, this alteration is interpreted as a disease-causing mutation.

Eurofins Ntd Llc (ga)
Classification: Pathogenic. Last evaluated: 2017-03-14. Review status: criteria provided, single submitter. Criteria: EGL Classification Definitions 2015. Collection method: clinical testing. Allele origin: germline. Observed: 1 variant allele, 1 heterozygote.

Kariminejad - Najmabadi Pathology & Genetics Center
Classification: Pathogenic for Alpha-1-antitrypsin deficiency. Review status: criteria provided, single submitter. Criteria: ACMG Guidelines, 2015. Collection method: clinical testing. Allele origin: germline. Affected: no.

PreventionGenetics, part of Exact Sciences
Classification: Pathogenic for SERPINA1-related condition. Last evaluated: 2024-07-15. Review status: no assertion criteria provided. Collection method: clinical testing. Allele origin: germline. Not counted in ClinVar's aggregate classification.
Comment: The SERPINA1 c.1178C>T variant is predicted to result in the amino acid substitution p.Pro393Leu. This variant has been reported in multiple individuals with alpha-1-antitrypsin deficiency and has been referred to as the PI MHeerlen allele (Hofker et al. 1989. PubMed ID: 2784123; Poller et al. 1999. PubMed ID: 10234508; Giacopuzzi et al. 2018. PubMed ID: 29882371). Functional studies found this variant results in retention of the protein in the endoplasmic reticulum (Poller et al. 1999. PubMed ID: 10234508). This variant is reported in 0.011% of alleles in individuals of European (Non-Finnish) descent in gnomAD. This variant is interpreted as pathogenic.

Counsyl
Classification: Likely pathogenic for Alpha-1-antitrypsin deficiency. Last evaluated: 2016-09-09. Review status: no assertion criteria provided. Collection method: clinical testing. Allele origin: unknown. Not counted in ClinVar's aggregate classification.

OMIM
Classification: other for PI M(HEERLEN). Last evaluated: 2016-07-20. Review status: no assertion criteria provided. Collection method: literature only. Allele origin: germline. Not counted in ClinVar's aggregate classification.

Department of Laboratory Medicine and Genetics, Trillium Health Partners Credit Valley Hospital
Classification: Pathogenic for Alpha-1-antitrypsin deficiency. Last evaluated: 2014-12-08. Review status: no assertion criteria provided. Collection method: clinical testing. Allele origin: germline. Affected: yes. Not counted in ClinVar's aggregate classification.

GeneReviews
Classification: Pathogenic for Alpha-1-antitrypsin deficiency. Last evaluated: 2014-05-01. Review status: no assertion criteria provided. Collection method: literature only. Allele origin: germline. Affected: yes. Not counted in ClinVar's aggregate classification.
Comment: Disease association: lung

Clinical Genetics DNA and cytogenetics Diagnostics Lab, Erasmus MC, Erasmus Medical Center
Classification: Pathogenic. Review status: no assertion criteria provided. Collection method: clinical testing. Allele origin: germline. Affected: yes. Study: VKGL Data-share Consensus. Not counted in ClinVar's aggregate classification.

Diagnostic Laboratory, Department of Genetics, University Medical Center Groningen
Classification: Likely pathogenic. Review status: no assertion criteria provided. Collection method: clinical testing. Allele origin: germline. Affected: yes. Study: VKGL Data-share Consensus. Not counted in ClinVar's aggregate classification.

Genome Diagnostics Laboratory, Amsterdam University Medical Center
Classification: Pathogenic. Review status: no assertion criteria provided. Collection method: clinical testing. Allele origin: germline. Affected: yes. Study: VKGL Data-share Consensus. Not counted in ClinVar's aggregate classification.

Literature cited by the submitters: PubMed 2784123 (cited by 5 submitters); PubMed 10234508 (cited by 4 submitters); PubMed 18024524 (cited by 4 submitters); PubMed 27296815 (cited by 3 submitters); PubMed 35656856 (cited by Center for Genomic Medicine, Rigshospitalet, Copenhagen University Hospital); PubMed 1552539 (cited by Ambry Genetics); PubMed 25391508 (cited by Ambry Genetics and Counsyl); PubMed 26321041 (cited by Ambry Genetics and Counsyl); PubMed 3038256 (cited by OMIM); PubMed 14985567 (cited by GeneReviews).